The following is an entry in ClinVar:

NM_004366.6(CLCN2):c.2542G>A (p.Val848Met)

Gene: CLCN2 (chloride voltage-gated channel 2; minus strand). Cytogenetic location: 3q27.1.
Variant type: single nucleotide variant.
Coding change: c.2542G>A on transcript NM_004366.6 (MANE Select); coding-DNA position 2542, G replaced by A.
Protein change: p.Val848Met; replaces valine 848 with methionine.
Molecular consequence: missense variant.
Genome position (GRCh38, 1-based): chr3:184,346,761, C>T on the plus strand (G>A on the coding strand, the complement: CLCN2 is on the minus strand). VCF-style: chr3-184346761-C-T. GRCh37 (hg19) VCF-style: chr3-184064549-C-T.
Other names: c.2491G>A, p.Val831Met (NM_001171087.3); c.2410G>A, p.Val804Met (NM_001171088.3); c.2455G>A, p.Val819Met (NM_001171089.3); short protein forms V848M, V819M, V804M, V831M.
Identifiers: ClinVar variation 5003013 (VCV005003013.1).

ClinVar aggregate classification (germline): Uncertain significance (1 of 4 stars; one submission).

Conditions:
Familial hyperaldosteronism type II. Also called: FH II. Identifiers: Orphanet 404, MedGen C1854107, MONDO:0011576, OMIM 605635.

Submission:

OLLIN Analises Genomicas, OLLIN
Classification: Uncertain significance for Familial hyperaldosteronism type II. Last evaluated: 2026-08-06. Review status: criteria provided, single submitter. Criteria: ACMG Guidelines 2015 PMID 25741868. Collection method: clinical testing. Allele origin: germline. Inheritance: Autosomal dominant inheritance.
Comment: This missense variant, located in exon 24 (of 24), is absent from gnomAD and has not been identified in the literature. However, it has been reported in ClinVar (accession VCV001372618.8). In silico analysis is inconclusive regarding the impact of this variant. According to the currently available evidence, this variant has been classified as uncertain significance (PM2_P).